The following is an entry in ClinVar:

ClinVar aggregate classification (germline): Conflicting classifications of pathogenicity. Review status: criteria provided, conflicting classifications (1 of 4 stars). 4 submissions from 4 submitters: Uncertain significance (2); Likely benign (2). Last evaluated 2024-01-04.

Conditions:
Hereditary breast ovarian cancer syndrome. Also called: Hereditary breast and ovarian cancer syndrome; Hereditary breast and ovarian cancer; Hereditary breast and ovarian cancer syndrome (HBOC); Breast and ovarian cancer; Hereditary breast and/or ovarian cancer syndrome; BRCA1- and BRCA2-Associated Hereditary Breast and Ovarian Cancer. Identifiers: Orphanet 145, MedGen C0677776, MeSH D061325, MONDO:0003582. Disease mechanism: loss of function.
Hereditary cancer-predisposing syndrome. Also called: Neoplastic Syndromes, Hereditary; Tumor predisposition; Hereditary neoplastic syndrome; Hereditary Cancer Syndrome. Identifiers: Orphanet 140162, MedGen C0027672, MeSH D009386, MONDO:0015356.

Submissions (4):

Labcorp Genetics (formerly Invitae), Labcorp
Classification: Uncertain significance for Hereditary breast ovarian cancer syndrome. Last evaluated: 2024-01-04. Review status: criteria provided, single submitter. Criteria: Invitae Variant Classification Sherloc (09022015). Collection method: clinical testing. Allele origin: germline.
Comment: This sequence change replaces serine, which is neutral and polar, with cysteine, which is neutral and slightly polar, at codon 1328 of the BRCA2 protein (p.Ser1328Cys). This variant is not present in population databases (gnomAD no frequency). This variant has not been reported in the literature in individuals affected with BRCA2-related conditions. ClinVar contains an entry for this variant (Variation ID: 628456). Advanced modeling of protein sequence and biophysical properties (such as structural, functional, and spatial information, amino acid conservation, physicochemical variation, residue mobility, and thermodynamic stability) performed at Invitae indicates that this missense variant is not expected to disrupt BRCA2 protein function with a negative predictive value of 95%. In summary, the available evidence is currently insufficient to determine the role of this variant in disease. Therefore, it has been classified as a Variant of Uncertain Significance.

Ambry Genetics
Classification: Likely benign for Hereditary cancer-predisposing syndrome. Last evaluated: 2024-01-02. Review status: criteria provided, single submitter. Criteria: Ambry Variant Classification Scheme 2023. Collection method: clinical testing. Allele origin: germline.

University of Washington Department of Laboratory Medicine, University of Washington
Classification: Likely benign for Hereditary cancer-predisposing syndrome. Last evaluated: 2023-03-23. Review status: criteria provided, single submitter. Criteria: Dines et al. (Genet Med. 2020). Collection method: curation. Allele origin: germline.
Comment: Missense variant in a coldspot region where missense variants are very unlikely to be pathogenic (PMID:31911673).

BRCA2 exon 11 coldspot. Reclassification based on statistical prior probability.

Color Diagnostics, LLC DBA Color Health
Classification: Uncertain significance for Hereditary cancer-predisposing syndrome. Last evaluated: 2019-05-30. Review status: criteria provided, single submitter. Criteria: ACMG Guidelines, 2015. Collection method: clinical testing. Allele origin: germline.

NM_000059.4(BRCA2):c.3982A>T (p.Ser1328Cys)

Gene: BRCA2 (BRCA2 DNA repair associated; plus strand). Cytogenetic location: 13q13.1.
Variant type: single nucleotide variant.
Coding change: c.3982A>T on transcript NM_000059.4 (MANE Select); coding-DNA position 3982, A replaced by T.
Protein change: p.Ser1328Cys; replaces serine 1328 with cysteine.
Molecular consequence: missense variant.
Genome position (GRCh38, 1-based): chr13:32,338,337, A>T. VCF-style: chr13-32338337-A-T. GRCh37 (hg19) VCF-style: chr13-32912474-A-T.
Other names: short protein forms S1328C.
Identifiers: ClinVar variation 628456 (VCV000628456.11), dbSNP rs1566229480, ClinGen allele CA387778958.